The following is an entry in ClinVar:

NM_002617.4(PEX10):c.318G>A (p.Leu106=)

Gene: PEX10 (peroxisomal biogenesis factor 10; minus strand). Cytogenetic location: 1p36.32.
Variant type: single nucleotide variant.
Coding change: c.318G>A on transcript NM_002617.4 (MANE Select); coding-DNA position 318, G replaced by A.
Protein change: p.Leu106=; no amino-acid change (leucine 106 retained).
Molecular consequence: synonymous variant. On other transcripts: 5 prime UTR variant (2), non-coding transcript variant (1).
Genome position (GRCh38, 1-based): chr1:2,408,734, C>T on the plus strand (G>A on the coding strand, the complement: PEX10 is on the minus strand). VCF-style: chr1-2408734-C-T. GRCh37 (hg19) VCF-style: chr1-2340173-C-T.
Other names: p.Leu106=; c.318G>A, p.Leu106= (NM_001374425.1, NM_153818.2); c.-115G>A (NM_001374426.1, NM_001374427.1).
Identifiers: ClinVar variation 262789 (VCV000262789.45), dbSNP rs146452560, ClinGen allele CA538212.

ClinVar aggregate classification (germline): Benign/Likely benign. Review status: criteria provided, multiple submitters, no conflicts (2 of 4 stars). 8 submissions from 8 submitters: Benign (3); Likely benign (4). 1 of the submissions does not count toward it. Last evaluated 2026-07-01.

Conditions:
Zellweger spectrum disorders (ZS). Also called: Zellweger Spectrum Disorder (ZSD); Zellweger Spectrum Disorder; Zellweger Spectrum; Zellweger syndrome. Identifiers: Orphanet 912, MedGen C0043459, MONDO:0019609.
Peroxisome biogenesis disorder 6A (Zellweger). Also called: Peroxisome biogenesis disorder 6A. Identifiers: Orphanet 912, MedGen C3553947, MONDO:0013936, OMIM 614870.
Peroxisome biogenesis disorder, complementation group 7 (CG7). Also called: Peroxisome biogenesis disorder, complementation group B. Identifiers: MedGen C1864399.

Allele frequency attached by ClinVar (database versions not stated): 1000 Genomes Project 0.00339; 1000 Genomes Project 30x 0.00344; gnomAD 0.00637 and 0.00649; gnomAD exomes 0.00640 and 0.01009; TOPMed 0.00651; ExAC 0.00693; ESP Exome Variant Server 0.00769.
gnomAD v4.1: 15,615 of 1,613,844 alleles (0.97%); highest among the groups gnomAD compares: Non-Finnish European, 1.2%; 105 homozygotes.

Submissions (8):

CeGaT Center for Human Genetics Tuebingen
Classification: Benign. Last evaluated: 2026-07-01. Review status: criteria provided, single submitter. Criteria: CeGaT Center For Human Genetics Tuebingen Variant Classification Criteria Version 2. Collection method: clinical testing. Allele origin: germline. Affected: yes. Observed: 9 variant alleles.
Comment: PEX10: BP4, BP7, BS1, BS2

Labcorp Genetics (formerly Invitae), Labcorp
Classification: Benign for Peroxisome biogenesis disorder, complementation group 7. Last evaluated: 2026-02-04. Review status: criteria provided, single submitter. Criteria: Invitae Variant Classification Sherloc (09022015). Collection method: clinical testing. Allele origin: germline.

Mayo Clinic Laboratories, Mayo Clinic
Classification: Benign. Last evaluated: 2024-11-08. Review status: criteria provided, single submitter. Criteria: ACMG Guidelines, 2015. Collection method: clinical testing. Allele origin: germline. Observed: 29 variant alleles.
Comment: BA1, BS2, BP4, BP7

GeneDx
Classification: Likely benign. Last evaluated: 2020-08-19. Review status: criteria provided, single submitter. Criteria: GeneDx Variant Classification Process June 2021. Collection method: clinical testing. Allele origin: germline. Affected: yes.

Illumina Laboratory Services, Illumina
Classification: Likely benign for Peroxisome biogenesis disorder 6A (Zellweger). Last evaluated: 2018-01-13. Review status: criteria provided, single submitter. Criteria: ICSL Variant Classification Criteria 13 December 2019. Collection method: clinical testing. Allele origin: germline.
Comment: This variant was observed in the ICSL laboratory as part of a predisposition screen in an ostensibly healthy population. It had not been previously curated by ICSL or reported in the Human Gene Mutation Database (HGMD: prior to June 1st, 2018), and was therefore a candidate for classification through an automated scoring system. Utilizing variant allele frequency, disease prevalence and penetrance estimates, and inheritance mode, an automated score was calculated to assess if this variant is too frequent to cause the disease. Based on the score and internal cut-off values, a variant classified as likely benign is not then subjected to further curation. The score for this variant resulted in a classification of likely benign for this disease.

Breakthrough Genomics
Classification: Likely benign. Review status: criteria provided, single submitter. Criteria: ACMG Guidelines, 2015. Collection method: not provided. Allele origin: germline. Inheritance: Autosomal recessive inheritance. Affected: yes.

PreventionGenetics, part of Exact Sciences
Classification: Likely benign. Review status: criteria provided, single submitter. Criteria: ACMG Guidelines, 2015. Collection method: clinical testing. Allele origin: germline.

Natera, Inc.
Classification: Benign for Zellweger syndrome. Last evaluated: 2020-09-16. Review status: no assertion criteria provided. Collection method: clinical testing. Allele origin: germline. Not counted in ClinVar's aggregate classification.